The following is an entry in ClinVar:

NM_000179.3(MSH6):c.2984del (p.Glu995fs)

Gene: MSH6 (mutS homolog 6; plus strand). Cytogenetic location: 2p16.3.
Variant type: Deletion.
Coding change: c.2984del on transcript NM_000179.3 (MANE Select); coding-DNA position 2984, one base deleted (A; older notation c.2984delA).
Protein change: p.Glu995fs; shifts the reading frame from glutamic acid 995.
Molecular consequence: frameshift variant.
Genome position (GRCh38, 1-based): chr2:47,800,967, A deleted. VCF-style (leftmost placement, unchanged base first): chr2-47800966-GA-G. GRCh37 (hg19) VCF-style: chr2-48028105-GA-G.
Other names: c.2594del, p.Glu865fs (NM_001281492.2); c.2078del, p.Glu693fs (NM_001281493.2, NM_001281494.2); short protein forms E693fs, E865fs.
Identifiers: ClinVar variation 89329 (VCV000089329.3), dbSNP rs63749938, ClinGen allele CA011285.
Genomic context (GRCh38, chr2:47,800,966, plus strand): 5'-AACCGTTACCAGCTGGAAATTCCTGAGAATTTCACCACTCGCAATTTGCCAGAAGAATAC[GA>G]GTTGAAATCTACCAAGAAGGGCTGTAAACGATACTGGACCAAAACTATTGAAAAGAAGTT-3'

ClinVar aggregate classification (germline): Pathogenic. Review status: reviewed by expert panel (3 of 4 stars). 2 submissions from 2 submitters: Pathogenic (1). 1 of the submissions does not count toward it. Last evaluated 2013-09-05.

Conditions:
Lynch syndrome 5 (LYNCH5). Also called: Hereditary non-polyposis colorectal cancer, type 5; Colorectal cancer, hereditary nonpolyposis, type 5. Identifiers: Orphanet 144, MedGen C1833477, MONDO:0013710, OMIM 614350. Disease mechanism: loss of function.
Lynch syndrome. Identifiers: Orphanet 144, MedGen C4552100, MONDO:0005835. Disease mechanism: loss of function.

Submissions (2):

International Society for Gastrointestinal Hereditary Tumours (InSiGHT)
Classification: Pathogenic for Lynch Syndrome. Last evaluated: 2013-09-05. Review status: reviewed by expert panel. Criteria: Guidelines v1.9. Collection method: research. Allele origin: germline.
Comment: Coding sequence variation resulting in a stop codon

Classified with v1.9 guidelines

Myriad Genetics, Inc.
Classification: Pathogenic for Lynch syndrome 5. Last evaluated: 2023-08-21. Review status: criteria provided, single submitter. Criteria: Myriad Autosomal Dominant, Autosomal Recessive and X-Linked Classification Criteria (2023). Collection method: clinical testing. Allele origin: unknown. Not counted in ClinVar's aggregate classification.
Comment: This variant is considered pathogenic. This variant creates a frameshift predicted to result in premature protein truncation.